The following is an entry in ClinVar:

NM_025114.4(CEP290):c.3175A>G (p.Ile1059Val)

Gene: CEP290 (centrosomal protein 290; minus strand). Cytogenetic location: 12q21.32.
Variant type: single nucleotide variant.
Coding change: c.3175A>G on transcript NM_025114.4 (MANE Select); coding-DNA position 3175, A replaced by G.
Protein change: p.Ile1059Val; replaces isoleucine 1059 with valine.
Molecular consequence: missense variant.
Genome position (GRCh38, 1-based): chr12:88,093,904, T>C on the plus strand (A>G on the coding strand, the complement: CEP290 is on the minus strand). VCF-style: chr12-88093904-T-C. GRCh37 (hg19) VCF-style: chr12-88487681-T-C.
Other names: c.3175A>G (NM_025114.3); short protein forms I1059V.
Identifiers: ClinVar variation 1408014 (VCV001408014.8), dbSNP rs771815959, ClinGen allele CA6712202.
Genomic context (GRCh38, chr12:88,093,904, plus strand): 5'-TTTTTTGACAATGTTCAGCCCGCTGCCTTTCATTTAATTCCTTCATTTCCAGCATAGTTA[T>C]TTTTTTTGAAATGGAAACAATGTCACTGTTGGTTATTGATTTCTTTGCCTTATCCATGCT-3'
Protein context (NP_079390.3, residues 1049-1069): NSDIVSISKK[Ile1059Val]TMLEMKELNE

ClinVar aggregate classification (germline): Uncertain significance. Review status: criteria provided, multiple submitters, no conflicts (2 of 4 stars). 3 submissions from 3 submitters: Uncertain significance (3). Last evaluated 2026-07-27.

Conditions:
Nephronophthisis. Also called: Juvenile Nephronophthisis. Identifiers: Orphanet 655, MedGen C0687120, MONDO:0019005, HP:0000090.
Meckel-Gruber syndrome. Also called: DYSENCEPHALIA SPLANCHNOCYSTICA; GRUBER SYNDROME; Dysencephalia splachnocystica. Identifiers: Orphanet 564, MedGen C0265215, MONDO:0018921.
Joubert syndrome. Also called: JOUBERT-BOLTSHAUSER SYNDROME; Familial aplasia of the vermis. Identifiers: Orphanet 475, MedGen C5979921, MONDO:0018772.
Bardet-Biedl syndrome 14 (BBS14). Identifiers: Orphanet 110, MedGen C2673874, MONDO:0014442, OMIM 615991.
Joubert syndrome 5 (JBTS5). Identifiers: Orphanet 2318, MedGen C1857780, MONDO:0012432, OMIM 610188.
Senior-Loken syndrome 6 (SLSN6). Identifiers: Orphanet 3156, MedGen C1857779, MONDO:0012433, OMIM 610189.
Meckel syndrome, type 4 (MKS4). Also called: MECKEL-GRUBER SYNDROME, TYPE 4. Identifiers: Orphanet 564, MedGen C1970161, MONDO:0012626, OMIM 611134.
Leber congenital amaurosis 10 (LCA10). Identifiers: Orphanet 65, MedGen C1857821, MONDO:0012723, OMIM 611755.
CEP290-related disorder. Also called: CEP290-related condition; CEP290-related disorders. Identifiers: MedGen CN239314.

Allele frequency attached by ClinVar (database versions not stated): ExAC 0.00001.
gnomAD v4.1: 12 of 1,600,682 alleles (0.00075%); highest among the groups gnomAD compares: Admixed American, 0.0084%; no homozygotes.

Submissions (3):

PreventionGenetics, part of Exact Sciences
Classification: Uncertain significance for CEP290-related condition. Last evaluated: 2026-07-27. Review status: criteria provided, single submitter. Criteria: ACMG Guidelines, 2015. Collection method: clinical testing. Allele origin: germline.
Comment: The CEP290 c.3175A>G variant is predicted to result in the amino acid substitution p.Ile1059Val. To our knowledge, this variant has not been reported in the literature. This variant is reported in 0.012% of alleles in individuals of Latino descent in gnomAD. At this time, the clinical significance of this variant is uncertain due to the absence of conclusive functional and genetic evidence.

Fulgent Genetics
Classification: Uncertain significance for Joubert syndrome 5; Senior-Loken syndrome 6; Meckel syndrome, type 4; Leber congenital amaurosis 10; Bardet-Biedl syndrome 14. Last evaluated: 2024-02-20. Review status: criteria provided, single submitter. Criteria: ACMG Guidelines, 2015. Collection method: clinical testing. Allele origin: germline.

Labcorp Genetics (formerly Invitae), Labcorp
Classification: Uncertain significance for Joubert syndrome; Meckel-Gruber syndrome; Nephronophthisis. Last evaluated: 2022-03-17. Review status: criteria provided, single submitter. Criteria: Invitae Variant Classification Sherloc (09022015). Collection method: clinical testing. Allele origin: germline.
Comment: This sequence change replaces isoleucine, which is neutral and non-polar, with valine, which is neutral and non-polar, at codon 1059 of the CEP290 protein (p.Ile1059Val). This variant is present in population databases (rs771815959, gnomAD 0.01%). This variant has not been reported in the literature in individuals affected with CEP290-related conditions. Algorithms developed to predict the effect of missense changes on protein structure and function are either unavailable or do not agree on the potential impact of this missense change (SIFT: "Deleterious"; PolyPhen-2: "Probably Damaging"; Align-GVGD: "Class C0"). Algorithms developed to predict the effect of sequence changes on RNA splicing suggest that this variant may create or strengthen a splice site. In summary, the available evidence is currently insufficient to determine the role of this variant in disease. Therefore, it has been classified as a Variant of Uncertain Significance.